The following is an entry in ClinVar:

NC_000023.10:g.(?_31645770)_(31676281_?)dup

Gene: DMD (dystrophin; minus strand). Cytogenetic location: Xp21.1.
Variant type: Duplication.
Identifiers: ClinVar variation 3243276 (VCV003243276.1).

ClinVar aggregate classification (germline): Uncertain significance (1 of 4 stars; one submission).

Conditions:
Duchenne muscular dystrophy (DMD). Also called: MUSCULAR DYSTROPHY, PSEUDOHYPERTROPHIC PROGRESSIVE, DUCHENNE TYPE; Duchenne Muscular Dystrophy (DMD). Identifiers: Orphanet 98896, MedGen C0013264, MONDO:0010679, OMIM 310200.

Submission:

Labcorp Genetics (formerly Invitae), Labcorp
Classification: Uncertain significance for Duchenne muscular dystrophy. Last evaluated: 2022-11-17. Review status: criteria provided, single submitter. Criteria: Invitae Variant Classification Sherloc (09022015). Collection method: clinical testing. Allele origin: unknown.
Comment: In summary, the available evidence is currently insufficient to determine the role of this variant in disease. Therefore, it has been classified as a Variant of Uncertain Significance. Experimental studies and prediction algorithms are not available or were not evaluated, and the functional significance of this variant is currently unknown. A similar copy number variant has been observed in individual(s) with Duchenne muscular dystrophy (PMID: 20485447). This variant results in a copy number gain of the genomic region encompassing exon(s) 54-55 of the DMD gene. While the exact position of this variant cannot be determined from the data, sub-genic copy number gains are generally in tandem (PMID: 25640679). This variant is predicted to be in-frame, and likely preserves the integrity of the reading frame.

Literature cited by the submitters: PubMed 20485447; PubMed 25640679.